The following is an entry in ClinVar:

ClinVar aggregate classification (germline): Uncertain significance (1 of 4 stars; one submission).

Conditions:
ACAN-related disorder. Also called: ACAN-related disorders; ACAN-related condition.

Submission:

PreventionGenetics, part of Exact Sciences
Classification: Uncertain significance for ACAN-related condition. Last evaluated: 2023-05-03. Review status: criteria provided, single submitter. Criteria: ACMG Guidelines, 2015. Collection method: clinical testing. Allele origin: germline.
Comment: The ACAN c.25G>C variant is predicted to result in the amino acid substitution p.Val9Leu. To our knowledge, this variant has not been reported in the literature or in a large population database, indicating this variant is rare. At this time, the clinical significance of this variant is uncertain due to the absence of conclusive functional and genetic evidence.

NM_001369268.1(ACAN):c.25G>C (p.Val9Leu)

Gene: ACAN (aggrecan; plus strand). Cytogenetic location: 15q26.1.
Variant type: single nucleotide variant.
Coding change: c.25G>C on transcript NM_001369268.1 (MANE Select); coding-DNA position 25, G replaced by C.
Protein change: p.Val9Leu; replaces valine 9 with leucine.
Molecular consequence: missense variant.
Genome position (GRCh38, 1-based): chr15:88,836,231, G>C. VCF-style: chr15-88836231-G-C. GRCh37 (hg19) VCF-style: chr15-89379462-G-C.
Other names: c.25G>C, p.Val9Leu (NM_001135.4, NM_001411096.1, NM_001411097.1 and 1 more transcripts); short protein forms V9L.
Identifiers: ClinVar variation 2632832 (VCV002632832.1), dbSNP rs776631256, ClinGen allele CA393713715.